The following is an entry in ClinVar:

NM_024422.6(DSC2):c.2444A>G (p.Glu815Gly)

Gene: DSC2 (desmocollin 2; minus strand). Cytogenetic location: 18q12.1.
Variant type: single nucleotide variant.
Coding change: c.2444A>G on transcript NM_024422.6 (MANE Select); coding-DNA position 2444, A replaced by G.
Protein change: p.Glu815Gly; replaces glutamic acid 815 with glycine.
Molecular consequence: missense variant.
Genome position (GRCh38, 1-based): chr18:31,068,958, T>C on the plus strand (A>G on the coding strand, the complement: DSC2 is on the minus strand). VCF-style: chr18-31068958-T-C. GRCh37 (hg19) VCF-style: chr18-28648924-T-C.
Other names: c.2444A>G, p.Glu815Gly (NM_004949.5); short protein forms E815G.
Identifiers: ClinVar variation 1433460 (VCV001433460.7), dbSNP rs1473364512, ClinGen allele CA402111263.

ClinVar aggregate classification (germline): Uncertain significance. Review status: criteria provided, multiple submitters, no conflicts (2 of 4 stars). 2 submissions from 2 submitters: Uncertain significance (2). Last evaluated 2025-09-05.

Conditions:
Cardiomyopathy (CMYO). Also called: Cardiomyopathies. Identifiers: Orphanet 167848, MedGen C0878544, MONDO:0004994, HP:0001638. Inheritance: Various modes of inheritance.
Arrhythmogenic right ventricular dysplasia 11. Also called: Arrhythmogenic right ventricular dysplasia 11 with mild palmoplantar keratoderma and woolly hair; Arrhythmogenic Right Ventricular Dysplasia/Cardiomyopathy11; ARRHYTHMOGENIC RIGHT VENTRICULAR DYSPLASIA, FAMILIAL, 11. Identifiers: MedGen C1864850, MONDO:0012506, OMIM 610476.

Allele frequency attached by ClinVar (database versions not stated): gnomAD exomes below 0.00001; TOPMed 0.00001.
gnomAD v4.1: 1 of 1,614,078 alleles (0.000062%); highest among the groups gnomAD compares: Admixed American, 0.0017%; no homozygotes.

Submissions (2):

Color Diagnostics, LLC DBA Color Health
Classification: Uncertain significance for Cardiomyopathy. Last evaluated: 2025-09-05. Review status: criteria provided, single submitter. Criteria: ACMG Guidelines, 2015. Collection method: clinical testing. Allele origin: germline.
Comment: This missense variant replaces glutamic acid with glycine at codon 815 of the DSC2 protein. Computational prediction suggests that this variant may not impact protein structure and function. To our knowledge, functional studies have not been reported for this variant. This variant has not been reported in individuals affected with DSC2-related disorders in the literature. This variant has been identified in 1/251226 chromosomes in the general population by the Genome Aggregation Database (gnomAD). The available evidence is insufficient to determine the role of this variant in disease conclusively. Therefore, this variant is classified as a Variant of Uncertain Significance.

Labcorp Genetics (formerly Invitae), Labcorp
Classification: Uncertain significance for Arrhythmogenic right ventricular dysplasia 11. Last evaluated: 2021-10-15. Review status: criteria provided, single submitter. Criteria: Invitae Variant Classification Sherloc (09022015). Collection method: clinical testing. Allele origin: germline.
Comment: This variant has not been reported in the literature in individuals with DSC2-related conditions. This variant is not present in population databases (ExAC no frequency). This sequence change replaces glutamic acid with glycine at codon 815 of the DSC2 protein (p.Glu815Gly). The glutamic acid residue is moderately conserved and there is a moderate physicochemical difference between glutamic acid and glycine. In summary, the available evidence is currently insufficient to determine the role of this variant in disease. Therefore, it has been classified as a Variant of Uncertain Significance. Algorithms developed to predict the effect of missense changes on protein structure and function are either unavailable or do not agree on the potential impact of this missense change (SIFT: "Tolerated"; PolyPhen-2: "Possibly Damaging"; Align-GVGD: "Class C0").